The following is an entry in ClinVar:

ClinVar aggregate classification (germline): Uncertain significance (1 of 4 stars; one submission).

Submission:

CeGaT Center for Human Genetics Tuebingen
Classification: Uncertain significance. Last evaluated: 2024-05-01. Review status: criteria provided, single submitter. Criteria: CeGaT Center For Human Genetics Tuebingen Variant Classification Criteria Version 2. Collection method: clinical testing. Allele origin: germline. Affected: yes. Observed: 1 variant allele.
Comment: CHD2: PM2, PP2, PP3

NM_001271.4(CHD2):c.1831T>C (p.Trp611Arg)

Gene: CHD2 (chromodomain helicase DNA binding protein 2; plus strand). Cytogenetic location: 15q26.1.
Variant type: single nucleotide variant.
Coding change: c.1831T>C on transcript NM_001271.4 (MANE Select); coding-DNA position 1831, T replaced by C.
Protein change: p.Trp611Arg; replaces tryptophan 611 with arginine.
Molecular consequence: missense variant.
Genome position (GRCh38, 1-based): chr15:92,956,480, T>C. VCF-style: chr15-92956480-T-C. GRCh37 (hg19) VCF-style: chr15-93499710-T-C.
Other names: short protein forms W611R.
Identifiers: ClinVar variation 3239564 (VCV003239564.19), dbSNP rs2505488316.